The following is an entry in ClinVar:

ClinVar aggregate classification (germline): Conflicting classifications of pathogenicity. Review status: criteria provided, conflicting classifications (1 of 4 stars). 5 submissions from 5 submitters: Uncertain significance (1); Likely benign (3). 1 of the submissions does not count toward it. Last evaluated 2026-01-27.

Conditions:
NPHP4-related disorder. Also called: NPHP4-related disorders; NPHP4-related condition. Identifiers: MedGen CN239384.
Inborn genetic diseases. Identifiers: MedGen C0950123, MeSH D030342.
Nephronophthisis. Also called: Juvenile Nephronophthisis. Identifiers: Orphanet 655, MedGen C0687120, MONDO:0019005, HP:0000090.

Allele frequency attached by ClinVar (database versions not stated): gnomAD exomes 0.00015 and 0.00034; ExAC 0.00040; gnomAD 0.00066 and 0.00067; TOPMed 0.00070; ESP Exome Variant Server 0.00080; 1000 Genomes Project 0.00140; 1000 Genomes Project 30x 0.00156.
gnomAD v4.1: 316 of 1,613,444 alleles (0.02%); highest among the groups gnomAD compares: African/African-American, 0.22%; no homozygotes.

Submissions (5):

Labcorp Genetics (formerly Invitae), Labcorp
Classification: Likely benign for Nephronophthisis. Last evaluated: 2026-01-27. Review status: criteria provided, single submitter. Criteria: Invitae Variant Classification Sherloc (09022015). Collection method: clinical testing. Allele origin: germline.

Blueprint Genetics
Classification: Likely benign. Last evaluated: 2024-09-10. Review status: criteria provided, single submitter. Criteria: ACMG Guidelines, 2015. Collection method: clinical testing. Allele origin: germline.

Ambry Genetics
Classification: Uncertain significance for Inborn genetic diseases. Last evaluated: 2023-04-11. Review status: criteria provided, single submitter. Criteria: Ambry Variant Classification Scheme 2023. Collection method: clinical testing. Allele origin: germline.

Eurofins Ntd Llc (ga)
Classification: Likely benign. Last evaluated: 2016-08-25. Review status: criteria provided, single submitter. Criteria: EGL Classification Definitions 2015. Collection method: clinical testing. Allele origin: germline. Observed: 5 variant alleles, 2 heterozygotes, 3 homozygotes.

PreventionGenetics, part of Exact Sciences
Classification: Likely benign for NPHP4-related condition. Last evaluated: 2023-11-28. Review status: no assertion criteria provided. Collection method: clinical testing. Allele origin: germline. Not counted in ClinVar's aggregate classification.
Comment: This variant is classified as likely benign based on ACMG/AMP sequence variant interpretation guidelines (Richards et al. 2015 PMID: 25741868, with internal and published modifications).

NM_015102.5(NPHP4):c.2458C>T (p.Arg820Trp)

Gene: NPHP4 (nephrocystin 4; minus strand). Cytogenetic location: 1p36.31.
Variant type: single nucleotide variant.
Coding change: c.2458C>T on transcript NM_015102.5 (MANE Select); coding-DNA position 2458, C replaced by T.
Protein change: p.Arg820Trp; replaces arginine 820 with tryptophan.
Molecular consequence: missense variant. On other transcripts: non-coding transcript variant (1).
Genome position (GRCh38, 1-based): chr1:5,887,313, G>A on the plus strand (C>T on the coding strand, the complement: NPHP4 is on the minus strand). VCF-style: chr1-5887313-G-A. GRCh37 (hg19) VCF-style: chr1-5947373-G-A.
Other names: c.2458C>T (NM_015102.3); c.919C>T, p.Arg307Trp (NM_001291593.2); c.922C>T, p.Arg308Trp (NM_001291594.2); short protein forms R820W, R307W, R308W.
Identifiers: ClinVar variation 287002 (VCV000287002.19), dbSNP rs200182705, ClinGen allele CA554114.